The following is an entry in ClinVar:

ClinVar aggregate classification (germline): Uncertain significance (1 of 4 stars; one submission).

Conditions:
Leukoencephalopathy with calcifications and cysts. Also called: LABRUNE SYNDROME; Leukoencephalopathy, brain calcifications, and cysts. Identifiers: Orphanet 542310, MedGen C3281200, MONDO:0013803, OMIM 614561.

gnomAD v4.1: 6 of 765,396 alleles (0.00078%); highest among the groups gnomAD compares: Non-Finnish European, 0.0012%; no homozygotes.

Submission:

Illumina Laboratory Services, Illumina
Classification: Uncertain significance for Leukoencephalopathy with calcifications and cysts. Last evaluated: 2023-06-26. Review status: criteria provided, single submitter. Criteria: ICSLVariantClassificationCriteria RUGD 01 April 2020. Collection method: clinical testing. Allele origin: unknown.
Comment: The SNORD118 g.8076835T>G variant, also referred to as n.72A>C, is a non-protein coding variant that, to our knowledge, has not been reported in the peer-reviewed literature. This variant is not observed in version 2.1.1 or version 3.1.2 of the Genome Aggregation Database. It is located near the LSm binding site within a hotspot in the transcribed portion of the U8 snoRNA (PMID: 33029936) and affects the same nucleotide as the likely pathogenic n.72A>G variant. Based on the available evidence, the SNORD118 g.8076835T>G variant is classified as a variant of uncertain significance for leukoencephalopathy with calcifications and cysts.

NR_033294.2(SNORD118):n.72A>C

Genes: SNORD118 (small nucleolar RNA, C/D box 118; minus strand), TMEM107 (transmembrane protein 107; minus strand). Cytogenetic location: 17p13.1.
Variant type: single nucleotide variant.
Molecular consequence: non-coding transcript variant (on NR_033294.2). On other transcripts: 3 prime UTR variant (5).
Genome position: GRCh38 VCF-style: chr17-8173517-T-G. GRCh37 (hg19) VCF-style: chr17-8076835-T-G.
Other names: c.*686A>C (NM_001351278.2, NM_001351279.2, NM_001351280.2 and 2 more transcripts).
Identifiers: ClinVar variation 2637964 (VCV002637964.1), dbSNP rs201558321, ClinGen allele CA497957075.
Genomic context (GRCh38, chr17:8,173,517, plus strand): 5'-AGACAGGAGCAATCAGGGTGTTGCAAGTCCTGATTACGCAGAGACGTTAATCACGTTTCA[T>G]GCATCTCCAATCATCATGTTCTAATCTGCCCTCCGGAGGAGGAACAGGTAAGGATTATCC-3'